The following is an entry in ClinVar:

NM_002968.3(SALL1):c.406G>A (p.Gly136Ser)

Gene: SALL1 (spalt like transcription factor 1; minus strand). Cytogenetic location: 16q12.1.
Variant type: single nucleotide variant.
Coding change: c.406G>A on transcript NM_002968.3 (MANE Select); coding-DNA position 406, G replaced by A.
Protein change: p.Gly136Ser; replaces glycine 136 with serine.
Molecular consequence: missense variant.
Genome position (GRCh38, 1-based): chr16:51,141,816, C>T on the plus strand (G>A on the coding strand, the complement: SALL1 is on the minus strand). VCF-style: chr16-51141816-C-T. GRCh37 (hg19) VCF-style: chr16-51175727-C-T.
Other names: c.115G>A, p.Gly39Ser (NM_001127892.2); short protein forms G136S, G39S.
Identifiers: ClinVar variation 2204683 (VCV002204683.4), dbSNP rs139152599, ClinGen allele CA8053494.

ClinVar aggregate classification (germline): Uncertain significance. Review status: criteria provided, multiple submitters, no conflicts (2 of 4 stars). 2 submissions from 2 submitters: Uncertain significance (2). Last evaluated 2025-06-12.

Conditions:
Townes syndrome (TBS). Also called: Townes-Brocks syndrome. Identifiers: Orphanet 857, MedGen C0265246, MeSH C536974, MONDO:0007142.
Inborn genetic diseases. Identifiers: MedGen C0950123, MeSH D030342.

Allele frequency attached by ClinVar (database versions not stated): TOPMed 0.00002; ESP Exome Variant Server 0.00008; gnomAD 0.00004.

Submissions (2):

Labcorp Genetics (formerly Invitae), Labcorp
Classification: Uncertain significance for Townes syndrome. Last evaluated: 2025-06-12. Review status: criteria provided, single submitter. Criteria: Invitae Variant Classification Sherloc (09022015). Collection method: clinical testing. Allele origin: germline.
Comment: This sequence change replaces glycine, which is neutral and non-polar, with serine, which is neutral and polar, at codon 136 of the SALL1 protein (p.Gly136Ser). This variant is present in population databases (rs139152599, gnomAD 0.008%). This variant has not been reported in the literature in individuals affected with SALL1-related conditions. ClinVar contains an entry for this variant (Variation ID: 2204683). An algorithm developed to predict the effect of missense changes on protein structure and function outputs the following: PolyPhen-2: "Benign". The serine amino acid residue is found in multiple mammalian species, which suggests that this missense change does not adversely affect protein function. In summary, the available evidence is currently insufficient to determine the role of this variant in disease. Therefore, it has been classified as a Variant of Uncertain Significance.

Ambry Genetics
Classification: Uncertain significance for Inborn genetic diseases. Last evaluated: 2022-07-26. Review status: criteria provided, single submitter. Criteria: Ambry Variant Classification Scheme 2023. Collection method: clinical testing. Allele origin: germline.